The following is an entry in ClinVar:

NM_000157.4(GBA1):c.999+6G>T

Genes: GBA1 (glucosylceramidase beta 1; minus strand), LOC106627981 (GBA recombination region; plus strand). Cytogenetic location: 1q22.
Variant type: single nucleotide variant.
Coding change: c.999+6G>T on transcript NM_000157.4 (MANE Select); 6 bases into the intron after coding-DNA position 999, G replaced by T.
Molecular consequence: intron variant.
Genome position (GRCh38, 1-based): chr1:155,237,335, C>A on the plus strand (G>T on the coding strand, the complement: GBA1 is on the minus strand). VCF-style: chr1-155237335-C-A. GRCh37 (hg19) VCF-style: chr1-155207126-C-A.
Other names: c.738+6G>T (NM_001171811.2); c.999+6G>T (NM_001005742.3, NM_001005741.3); c.852+6G>T (NM_001171812.2).
Identifiers: ClinVar variation 4525875 (VCV004525875.1).

ClinVar aggregate classification (germline): Uncertain significance (1 of 4 stars; one submission).

gnomAD v4.1: 13 of 1,613,922 alleles (0.00081%); highest among the groups gnomAD compares: Non-Finnish European, 0.0011%; no homozygotes.

Submission:

Women's Health and Genetics/Laboratory Corporation of America, LabCorp
Classification: Uncertain significance. Last evaluated: 2025-07-15. Review status: criteria provided, single submitter. Criteria: LabCorp Variant Classification Summary - May 2015. Collection method: clinical testing. Allele origin: germline.
Comment: Variant summary: GBA1 c.999+6G>T alters a conserved nucleotide located close to a canonical splice site and therefore could affect mRNA splicing, leading to a significantly altered protein sequence. Consensus agreement among computation tools predict no significant impact on normal splicing. However, these predictions have yet to be confirmed by functional studies. The variant allele was found at a frequency of 3.2e-05 in 31372 control chromosomes (gnomAD). The available data on variant occurrences in the general population are insufficient to allow any conclusion about variant significance. To our knowledge, no occurrence of c.999+6G>T in individuals affected with Gaucher Disease and no experimental evidence demonstrating its impact on protein function have been reported. No submitters have cited clinical-significance assessments for this variant to ClinVar. Based on the evidence outlined above, the variant was classified as uncertain significance.